The following is an entry in ClinVar:

ClinVar aggregate classification (germline): Likely benign (0 of 4 stars; one submission).

Conditions:
UNC13A-related disorder. Also called: UNC13A-related condition.

Allele frequency attached by ClinVar (database versions not stated): ExAC 0.00038; ESP Exome Variant Server 0.00039; TOPMed 0.00042; 1000 Genomes Project 30x 0.00047; 1000 Genomes Project 0.00060.
gnomAD v4.1: 115 of 1,567,016 alleles (0.0073%); highest among the groups gnomAD compares: African/African-American, 0.15%; no homozygotes.

Submission:

PreventionGenetics, part of Exact Sciences
Classification: Likely benign for UNC13A-related condition. Last evaluated: 2024-02-01. Review status: no assertion criteria provided. Collection method: clinical testing. Allele origin: germline.
Comment: This variant is classified as likely benign based on ACMG/AMP sequence variant interpretation guidelines (Richards et al. 2015 PMID: 25741868, with internal and published modifications).

NM_001080421.3(UNC13A):c.1284-6C>A

Gene: UNC13A (unc-13 homolog A; minus strand). Cytogenetic location: 19p13.11.
Variant type: single nucleotide variant.
Coding change: c.1284-6C>A on transcript NM_001080421.3 (MANE Select); 6 bases into the intron before coding-DNA position 1284, C replaced by A.
Molecular consequence: intron variant.
Genome position (GRCh38, 1-based): chr19:17,655,388, G>T on the plus strand (C>A on the coding strand, the complement: UNC13A is on the minus strand). VCF-style: chr19-17655388-G-T. GRCh37 (hg19) VCF-style: chr19-17766197-G-T.
Other names: c.1284-6C>A (NM_001387022.1, NM_001387023.1, NM_001387021.1).
Identifiers: ClinVar variation 3031820 (VCV003031820.2), dbSNP rs149267617, ClinGen allele CA9298549.
Genomic context (GRCh38, chr19:17,655,388, plus strand): 5'-CCTGGACATGGAGTCCTGCCCCTCCTGGCCTTCCTCATCCTCTCTCGGCCTGAAACTGAG[G>T]CAGGGAACGCTATGAGGCTCTGGGCTGGCTCTCCGTGACCCCTGAACTTCCCTTGACCCT-3'